The following is an entry in ClinVar:

NM_003738.5(PTCH2):c.1238T>C (p.Met413Thr)

Gene: PTCH2 (patched 2; minus strand). Cytogenetic location: 1p34.1.
Variant type: single nucleotide variant.
Coding change: c.1238T>C on transcript NM_003738.5 (MANE Select); coding-DNA position 1238, T replaced by C.
Protein change: p.Met413Thr; replaces methionine 413 with threonine.
Molecular consequence: missense variant.
Genome position (GRCh38, 1-based): chr1:44,829,290, A>G on the plus strand (T>C on the coding strand, the complement: PTCH2 is on the minus strand). VCF-style: chr1-44829290-A-G. GRCh37 (hg19) VCF-style: chr1-45294962-A-G.
Other names: c.1238T>C, p.Met413Thr (NM_001166292.2); short protein forms M413T.
Identifiers: ClinVar variation 645674 (VCV000645674.9), dbSNP rs779283615, ClinGen allele CA823375.

ClinVar aggregate classification (germline): Uncertain significance (1 of 4 stars; one submission).

Conditions:
Gorlin syndrome. Also called: Basal cell nevus syndrome; Nevoid Basal Cell Carcinoma Syndrome. Identifiers: Orphanet 377, MedGen C0004779, MONDO:0007187.

Allele frequency attached by ClinVar (database versions not stated): gnomAD exomes below 0.00001 and 0.00002; ExAC 0.00002.
gnomAD v4.1: 2 of 1,613,634 alleles (0.00012%); highest among the groups gnomAD compares: East Asian, 0.0045%; no homozygotes.

Submission:

Labcorp Genetics (formerly Invitae), Labcorp
Classification: Uncertain significance for Gorlin syndrome. Last evaluated: 2023-05-07. Review status: criteria provided, single submitter. Criteria: Invitae Variant Classification Sherloc (09022015). Collection method: clinical testing. Allele origin: germline.
Comment: This variant has not been reported in the literature in individuals affected with PTCH2-related conditions. This variant is present in population databases (rs779283615, gnomAD 0.02%). This sequence change replaces methionine, which is neutral and non-polar, with threonine, which is neutral and polar, at codon 413 of the PTCH2 protein (p.Met413Thr). ClinVar contains an entry for this variant (Variation ID: 645674). In summary, the available evidence is currently insufficient to determine the role of this variant in disease. Therefore, it has been classified as a Variant of Uncertain Significance. Advanced modeling of protein sequence and biophysical properties (such as structural, functional, and spatial information, amino acid conservation, physicochemical variation, residue mobility, and thermodynamic stability) has been performed at Invitae for this missense variant, however the output from this modeling did not meet the statistical confidence thresholds required to predict the impact of this variant on PTCH2 protein function.